The following is an entry in ClinVar:

ClinVar aggregate classification (germline): Uncertain significance. Review status: criteria provided, multiple submitters, no conflicts (2 of 4 stars). 2 submissions from 2 submitters: Uncertain significance (2). Last evaluated 2025-06-23.

Conditions:
Nephrolithiasis/nephrocalcinosis. Identifiers: MedGen CN580796.
Familial hypocalciuric hypercalcemia (FHH). Also called: Familial benign hypercalcemia. Identifiers: Orphanet 405, MedGen C1809471, MONDO:0018458.
Autosomal dominant hypocalcemia 1 (HYPOC1). Also called: HYPOCALCEMIA, FAMILIAL. Identifiers: MedGen C3715128, MONDO:0011013, OMIM 601198.

Allele frequency attached by ClinVar (database versions not stated): gnomAD exomes below 0.00001.
gnomAD v4.1: 1 of 1,614,106 alleles (0.000062%); highest among the groups gnomAD compares: Non-Finnish European, 0.000085%; no homozygotes.

Submissions (2):

Labcorp Genetics (formerly Invitae), Labcorp
Classification: Uncertain significance for Familial hypocalciuric hypercalcemia; Autosomal dominant hypocalcemia 1. Last evaluated: 2025-06-23. Review status: criteria provided, single submitter. Criteria: Invitae Variant Classification Sherloc (09022015). Collection method: clinical testing. Allele origin: germline.
Comment: This sequence change replaces proline, which is neutral and non-polar, with serine, which is neutral and polar, at codon 569 of the CASR protein (p.Pro569Ser). This variant is present in population databases (no rsID available, gnomAD 0.0009%). This variant has not been reported in the literature in individuals affected with CASR-related conditions. ClinVar contains an entry for this variant (Variation ID: 1060618). An algorithm developed to predict the effect of missense changes on protein structure and function (PolyPhen-2) suggests that this variant is likely to be tolerated. In summary, the available evidence is currently insufficient to determine the role of this variant in disease. Therefore, it has been classified as a Variant of Uncertain Significance.

Ambry Genetics
Classification: Uncertain significance for Nephrolithiasis/nephrocalcinosis. Last evaluated: 2023-05-25. Review status: criteria provided, single submitter. Criteria: Ambry Variant Classification Scheme 2023. Collection method: clinical testing. Allele origin: germline.
Comment: The p.P569S variant (also known as c.1705C>T), located in coding exon 5 of the CASR gene, results from a C to T substitution at nucleotide position 1705. The proline at codon 569 is replaced by serine, an amino acid with similar properties. This amino acid position is conserved. In addition, this alteration is predicted to be tolerated by in silico analysis. Since supporting evidence is limited at this time, the clinical significance of this alteration remains unclear.

NM_000388.4(CASR):c.1705C>T (p.Pro569Ser)

Gene: CASR (calcium sensing receptor; plus strand). Cytogenetic location: 3q21.1.
Variant type: single nucleotide variant.
Coding change: c.1705C>T on transcript NM_000388.4 (MANE Select); coding-DNA position 1705, C replaced by T.
Protein change: p.Pro569Ser; replaces proline 569 with serine.
Molecular consequence: missense variant.
Genome position (GRCh38, 1-based): chr3:122,282,209, C>T. VCF-style: chr3-122282209-C-T. GRCh37 (hg19) VCF-style: chr3-122001056-C-T.
Other names: c.1735C>T, p.Pro579Ser (NM_001178065.2); c.1705C>T (NM_000388.3); short protein forms P569S, P579S.
Identifiers: ClinVar variation 1060618 (VCV001060618.10), dbSNP rs1271168512, ClinGen allele CA354156318.